The following is an entry in ClinVar:

ClinVar aggregate classification (germline): Uncertain significance (1 of 4 stars; one submission).

Submission:

Ambry Genetics
Classification: Uncertain significance. Last evaluated: 2025-02-17. Review status: criteria provided, single submitter. Criteria: Ambry Variant Classification Scheme 2023. Collection method: clinical testing. Allele origin: germline.
Comment: The p.N290D variant (also known as c.868A>G), located in coding exon 9 of the SRP72 gene, results from an A to G substitution at nucleotide position 868. The asparagine at codon 290 is replaced by aspartic acid, an amino acid with highly similar properties. This amino acid position is conserved. In addition, this alteration is predicted to be tolerated by in silico analysis. Based on the available evidence, the clinical significance of this variant remains unclear.

NM_006947.4(SRP72):c.868A>G (p.Asn290Asp)

Gene: SRP72 (signal recognition particle 72; plus strand). Cytogenetic location: 4q12.
Variant type: single nucleotide variant.
Coding change: c.868A>G on transcript NM_006947.4 (MANE Select); coding-DNA position 868, A replaced by G.
Protein change: p.Asn290Asp; replaces asparagine 290 with aspartic acid.
Molecular consequence: missense variant. On other transcripts: non-coding transcript variant (1).
Genome position (GRCh38, 1-based): chr4:56,483,181, A>G. VCF-style: chr4-56483181-A-G. GRCh37 (hg19) VCF-style: chr4-57349347-A-G.
Other names: c.685A>G, p.Asn229Asp (NM_001267722.2); short protein forms N229D, N290D.
Identifiers: ClinVar variation 3801493 (VCV003801493.1).